The following is an entry in ClinVar:

NM_004369.4(COL6A3):c.6237C>T (p.Asn2079=)

Gene: COL6A3 (collagen type VI alpha 3 chain; minus strand). Cytogenetic location: 2q37.3.
Variant type: single nucleotide variant.
Coding change: c.6237C>T on transcript NM_004369.4 (MANE Select); coding-DNA position 6237, C replaced by T.
Protein change: p.Asn2079=; no amino-acid change (asparagine 2079 retained).
Molecular consequence: synonymous variant.
Genome position (GRCh38, 1-based): chr2:237,360,133, G>A on the plus strand (C>T on the coding strand, the complement: COL6A3 is on the minus strand). VCF-style: chr2-237360133-G-A. GRCh37 (hg19) VCF-style: chr2-238268776-G-A.
Other names: c.4416C>T, p.Asn1472= (NM_057166.5); c.5619C>T, p.Asn1873= (NM_057167.4).
Identifiers: ClinVar variation 291120 (VCV000291120.21), dbSNP rs34390834, ClinGen allele CA2188393.

ClinVar aggregate classification (germline): Conflicting classifications of pathogenicity. Review status: criteria provided, conflicting classifications (1 of 4 stars). 5 submissions from 5 submitters: Uncertain significance (1); Likely benign (4). Last evaluated 2026-02-01.

Conditions:
COL6A3-related disorder. Also called: COL6A3-related disorders; COL6A3-related condition.
Bethlem myopathy 1A. Also called: Bethlem myopathy 1; Bethlem Muscular Dystrophy; MYOPATHY, BENIGN CONGENITAL, WITH CONTRACTURES. Identifiers: Orphanet 610, MedGen CN029274, MONDO:0024530, OMIM 158810.

Allele frequency attached by ClinVar (database versions not stated): gnomAD exomes 0.00004 and 0.00010; ExAC 0.00015; ESP Exome Variant Server 0.00015; 1000 Genomes Project 0.00020; gnomAD 0.00028 and 0.00029; TOPMed 0.00032; 1000 Genomes Project 30x 0.00047.
gnomAD v4.1: 98 of 1,614,108 alleles (0.0061%); highest among the groups gnomAD compares: African/African-American, 0.076%; no homozygotes.

Submissions (5):

CeGaT Center for Human Genetics Tuebingen
Classification: Likely benign. Last evaluated: 2026-02-01. Review status: criteria provided, single submitter. Criteria: CeGaT Center For Human Genetics Tuebingen Variant Classification Criteria Version 2. Collection method: clinical testing. Allele origin: germline. Affected: yes. Observed: 1 variant allele.
Comment: COL6A3: BP4, BP7

Labcorp Genetics (formerly Invitae), Labcorp
Classification: Likely benign for Bethlem myopathy 1A. Last evaluated: 2025-11-12. Review status: criteria provided, single submitter. Criteria: Invitae Variant Classification Sherloc (09022015). Collection method: clinical testing. Allele origin: germline.

PreventionGenetics, part of Exact Sciences
Classification: Likely benign for COL6A3-related condition. Last evaluated: 2025-06-06. Review status: criteria provided, single submitter. Criteria: ACMG Guidelines, 2015. Collection method: clinical testing. Allele origin: germline.
Comment: This variant is classified as likely benign based on ACMG/AMP sequence variant interpretation guidelines (Richards et al. 2015 PMID: 25741868, with internal and published modifications).

Blueprint Genetics
Classification: Likely benign. Last evaluated: 2023-11-28. Review status: criteria provided, single submitter. Criteria: ACMG Guidelines, 2015. Collection method: clinical testing. Allele origin: germline.

Eurofins Ntd Llc (ga)
Classification: Uncertain significance. Last evaluated: 2016-09-02. Review status: criteria provided, single submitter. Criteria: EGL Classification Definitions 2015. Collection method: clinical testing. Allele origin: germline. Observed: 1 variant allele, 1 heterozygote.